The following is an entry in ClinVar:

NM_033159.4(HYAL1):c.605A>G (p.Tyr202Cys)

Gene: HYAL1 (hyaluronidase 1; minus strand). Cytogenetic location: 3p21.31.
Variant type: single nucleotide variant.
Coding change: c.605A>G on transcript NM_033159.4 (MANE Select); coding-DNA position 605, A replaced by G.
Protein change: p.Tyr202Cys; replaces tyrosine 202 with cysteine.
Molecular consequence: missense variant. On other transcripts: non-coding transcript variant (1), intron variant (1).
Genome position (GRCh38, 1-based): chr3:50,302,352, T>C on the plus strand (A>G on the coding strand, the complement: HYAL1 is on the minus strand). VCF-style: chr3-50302352-T-C. GRCh37 (hg19) VCF-style: chr3-50339783-T-C.
Other names: c.605A>G, p.Tyr202Cys (NM_007312.3, NM_153281.2, NM_153282.3); c.59A>G, p.Tyr20Cys (NM_153283.3); c.-26-147A>G (NM_153285.3); short protein forms Y202C, Y20C.
Identifiers: ClinVar variation 2047708 (VCV002047708.3), dbSNP rs199678542, ClinGen allele CA2415907.

ClinVar aggregate classification (germline): Uncertain significance. Review status: criteria provided, multiple submitters, no conflicts (2 of 4 stars). 2 submissions from 2 submitters: Uncertain significance (2). Last evaluated 2025-05-04.

Conditions:
Deficiency of hyaluronoglucosaminidase (MPS9). Also called: MPS IX; Mucopolysaccharidosis type 9; HYALURONIDASE DEFICIENCY. Identifiers: Orphanet 67041, MedGen C1291490, MONDO:0011093, OMIM 601492.

Allele frequency attached by ClinVar (database versions not stated): gnomAD 0.00006; ESP Exome Variant Server 0.00008; gnomAD exomes 0.00008; ExAC 0.00009; TOPMed 0.00010; 1000 Genomes Project 30x 0.00016; 1000 Genomes Project 0.00020.
gnomAD v4.1: 131 of 1,613,668 alleles (0.0081%); highest among the groups gnomAD compares: Non-Finnish European, 0.0097%; no homozygotes.

Submissions (2):

Ambry Genetics
Classification: Uncertain significance. Last evaluated: 2025-05-04. Review status: criteria provided, single submitter. Criteria: Ambry Variant Classification Scheme 2023. Collection method: clinical testing. Allele origin: germline.

Labcorp Genetics (formerly Invitae), Labcorp
Classification: Uncertain significance for Deficiency of hyaluronoglucosaminidase. Last evaluated: 2022-05-13. Review status: criteria provided, single submitter. Criteria: Invitae Variant Classification Sherloc (09022015). Collection method: clinical testing. Allele origin: germline.
Comment: This sequence change replaces tyrosine, which is neutral and polar, with cysteine, which is neutral and slightly polar, at codon 202 of the HYAL1 protein (p.Tyr202Cys). This variant is present in population databases (rs199678542, gnomAD 0.01%). This variant has not been reported in the literature in individuals affected with HYAL1-related conditions. Algorithms developed to predict the effect of missense changes on protein structure and function (SIFT, PolyPhen-2, Align-GVGD) all suggest that this variant is likely to be disruptive. In summary, the available evidence is currently insufficient to determine the role of this variant in disease. Therefore, it has been classified as a Variant of Uncertain Significance.